The following is an entry in ClinVar:

ClinVar aggregate classification (germline): Uncertain significance. Review status: criteria provided, multiple submitters, no conflicts (2 of 4 stars). 3 submissions from 3 submitters: Uncertain significance (3). Last evaluated 2025-11-05.

Conditions:
Primary ciliary dyskinesia. Also called: Ciliary dyskinesia. Identifiers: Orphanet 244, MedGen C0008780, MONDO:0016575, HP:0012265.
Primary ciliary dyskinesia 11. Also called: CILIARY DYSKINESIA, PRIMARY, 11, WITHOUT SITUS INVERSUS. Identifiers: Orphanet 244, MedGen C2675229, MONDO:0012978, OMIM 612649.

Allele frequency attached by ClinVar (database versions not stated): TOPMed 0.00009; ESP Exome Variant Server 0.00015; 1000 Genomes Project 30x 0.00016; 1000 Genomes Project 0.00020; ExAC 0.00006; gnomAD exomes 0.00006; gnomAD 0.00009.
gnomAD v4.1: 299 of 1,606,810 alleles (0.019%); highest among the groups gnomAD compares: Non-Finnish European, 0.024%; no homozygotes.

Submissions (3):

Ambry Genetics
Classification: Uncertain significance for Primary ciliary dyskinesia. Last evaluated: 2025-11-05. Review status: criteria provided, single submitter. Criteria: Ambry Variant Classification Scheme 2023. Collection method: clinical testing. Allele origin: germline.

ARUP Laboratories, Molecular Genetics and Genomics, ARUP Laboratories
Classification: Uncertain significance for Primary ciliary dyskinesia 11. Last evaluated: 2022-03-23. Review status: criteria provided, single submitter. Criteria: ARUP Molecular Germline Variant Investigation Process 2021. Collection method: clinical testing. Allele origin: germline.
Comment: The RSPH4A c.1828C>T; p.Arg610Trp variant (rs149268378), to our knowledge, is not reported in the medical literature but is reported in ClinVar (Variation ID: 906336). This variant is found in the general population with an overall allele frequency of 0.006% (18/282818 alleles) in the Genome Aggregation Database. The arginine at codon 610 is moderately conserved, and computational analyses are uncertain whether this variant is neutral or deleterious (REVEL: 0.371). Due to limited information, the clinical significance of the p.Arg610Trp variant is uncertain at this time.

Illumina Laboratory Services, Illumina
Classification: Uncertain significance for Primary ciliary dyskinesia 11. Last evaluated: 2018-01-12. Review status: criteria provided, single submitter. Criteria: ICSL Variant Classification Criteria 13 December 2019. Collection method: clinical testing. Allele origin: germline.

NM_001010892.3(RSPH4A):c.1828C>T (p.Arg610Trp)

Gene: RSPH4A (radial spoke head component 4A; plus strand). Cytogenetic location: 6q22.1.
Variant type: single nucleotide variant.
Coding change: c.1828C>T on transcript NM_001010892.3 (MANE Select); coding-DNA position 1828, C replaced by T.
Protein change: p.Arg610Trp; replaces arginine 610 with tryptophan.
Molecular consequence: missense variant. On other transcripts: synonymous variant (1).
Genome position (GRCh38, 1-based): chr6:116,630,464, C>T. VCF-style: chr6-116630464-C-T. GRCh37 (hg19) VCF-style: chr6-116951627-C-T.
Other names: c.1692C>T, p.His564= (NM_001161664.2); short protein forms R610W.
Identifiers: ClinVar variation 906336 (VCV000906336.8), dbSNP rs149268378, ClinGen allele CA3971054.